The following is an entry in ClinVar:

NM_080425.4(GNAS):c.778G>T (p.Ala260Ser)

Gene: GNAS (GNAS complex locus; plus strand). Cytogenetic location: 20q13.32.
Variant type: single nucleotide variant.
Coding change: c.778G>T on transcript NM_080425.4 (MANE Plus Clinical); coding-DNA position 778, G replaced by T.
Protein change: p.Ala260Ser; replaces alanine 260 with serine.
Molecular consequence: missense variant. On other transcripts: synonymous variant (2), intron variant (3).
Genome position (GRCh38, 1-based): chr20:58,854,043, G>T. VCF-style: chr20-58854043-G-T. GRCh37 (hg19) VCF-style: chr20-57429098-G-T.
Other names: c.591G>T, p.Arg197= (NM_001077490.3, NM_001309883.1); c.778G>T, p.Ala260Ser (NM_001410913.1); c.*42+13157G>T (NM_016592.5); c.43+13157G>T (NM_001410912.1); c.-39+12168G>T (NM_001309861.2); short protein forms A260S.
Identifiers: ClinVar variation 3354537 (VCV003354537.1).
Genomic context (GRCh38, chr20:58,854,043, plus strand): 5'-CCGGGGCTTTCCCGAGTTATCGCACAAGTCGACGGCAGCAGCCAGTTCGCGGCAGTCGCG[G>T]CCTCGAGTGCGGTCCGCCTCACTCCCGCCGCGAACGCGCCTCCCCTCTGGGTCCCAGGCG-3'
Protein context (NP_536350.2, residues 250-270): DGSSQFAAVA[Ala260Ser]SSAVRLTPAA

ClinVar aggregate classification (germline): Uncertain significance (0 of 4 stars; one submission).

Conditions:
GNAS-related disorder. Identifiers: MedGen CN380105.

gnomAD v4.1: 12 of 1,610,988 alleles (0.00074%); highest among the groups gnomAD compares: African/African-American, 0.0027%; no homozygotes.

Submission:

PreventionGenetics, part of Exact Sciences
Classification: Uncertain significance for GNAS-related condition. Last evaluated: 2024-01-22. Review status: no assertion criteria provided. Collection method: clinical testing. Allele origin: germline.
Comment: The GNAS c.778G>T variant is predicted to result in the amino acid substitution p.Ala260Ser. To our knowledge, this variant has not been reported in the literature. This variant is reported in 0.0057% of alleles in individuals of East Asian descent in gnomAD. At this time, the clinical significance of this variant is uncertain due to the absence of conclusive functional and genetic evidence.